The following is an entry in ClinVar:

NM_006922.4(SCN3A):c.262A>G (p.Lys88Glu)

Gene: SCN3A (sodium voltage-gated channel alpha subunit 3; minus strand). Cytogenetic location: 2q24.3.
Variant type: single nucleotide variant.
Coding change: c.262A>G on transcript NM_006922.4 (MANE Select); coding-DNA position 262, A replaced by G.
Protein change: p.Lys88Glu; replaces lysine 88 with glutamic acid.
Molecular consequence: missense variant.
Genome position (GRCh38, 1-based): chr2:165,176,133, T>C on the plus strand (A>G on the coding strand, the complement: SCN3A is on the minus strand). VCF-style: chr2-165176133-T-C. GRCh37 (hg19) VCF-style: chr2-166032643-T-C.
Other names: c.262A>G, p.Lys88Glu (NM_001081676.2, NM_001081677.2); short protein forms K88E.
Identifiers: ClinVar variation 843060 (VCV000843060.12), dbSNP rs766519110, ClinGen allele CA1939482.

ClinVar aggregate classification (germline): Uncertain significance. Review status: criteria provided, multiple submitters, no conflicts (2 of 4 stars). 2 submissions from 2 submitters: Uncertain significance (2). Last evaluated 2025-05-05.

Allele frequency attached by ClinVar (database versions not stated): gnomAD exomes below 0.00001 and 0.00001; ExAC 0.00001; gnomAD 0.00001; TOPMed 0.00001.
gnomAD v4.1: 7 of 1,612,524 alleles (0.00043%); highest among the groups gnomAD compares: Admixed American, 0.0067%; no homozygotes.

Submissions (2):

Labcorp Genetics (formerly Invitae), Labcorp
Classification: Uncertain significance. Last evaluated: 2025-05-05. Review status: criteria provided, single submitter. Criteria: Invitae Variant Classification Sherloc (09022015). Collection method: clinical testing. Allele origin: germline.
Comment: This sequence change replaces lysine, which is basic and polar, with glutamic acid, which is acidic and polar, at codon 88 of the SCN3A protein (p.Lys88Glu). This variant is present in population databases (rs766519110, gnomAD 0.003%). This variant has not been reported in the literature in individuals affected with SCN3A-related conditions. ClinVar contains an entry for this variant (Variation ID: 843060). An algorithm developed to predict the effect of missense changes on protein structure and function (PolyPhen-2) suggests that this variant is likely to be disruptive. In summary, the available evidence is currently insufficient to determine the role of this variant in disease. Therefore, it has been classified as a Variant of Uncertain Significance.

GeneDx
Classification: Uncertain significance. Last evaluated: 2023-10-31. Review status: criteria provided, single submitter. Criteria: GeneDx Variant Classification Process June 2021. Collection method: clinical testing. Allele origin: germline. Affected: yes.
Comment: Not observed at significant frequency in large population cohorts (gnomAD); In silico analysis supports that this missense variant has a deleterious effect on protein structure/function; Has not been previously published as pathogenic or benign to our knowledge